The following is an entry in ClinVar:

NM_032447.5(FBN3):c.7298G>A (p.Arg2433Gln)

Gene: FBN3 (fibrillin 3; minus strand). Cytogenetic location: 19p13.2.
Variant type: single nucleotide variant.
Coding change: c.7298G>A on transcript NM_032447.5 (MANE Select); coding-DNA position 7298, G replaced by A.
Protein change: p.Arg2433Gln; replaces arginine 2433 with glutamine.
Molecular consequence: missense variant.
Genome position (GRCh38, 1-based): chr19:8,081,396, C>T on the plus strand (G>A on the coding strand, the complement: FBN3 is on the minus strand). VCF-style: chr19-8081396-C-T. GRCh37 (hg19) VCF-style: chr19-8146280-C-T.
Other names: c.7298G>A (NM_032447.3); c.7298G>A, p.Arg2433Gln (NM_001321431.2); short protein forms R2433Q.
Identifiers: ClinVar variation 3659810 (VCV003659810.3).

ClinVar aggregate classification (germline): Uncertain significance. Review status: criteria provided, multiple submitters, no conflicts (2 of 4 stars). 2 submissions from 2 submitters: Uncertain significance (2). Last evaluated 2026-01-04.

gnomAD v4.1: 25 of 1,611,588 alleles (0.0016%); highest among the groups gnomAD compares: Admixed American, 0.0067%; no homozygotes.

Submissions (2):

Labcorp Genetics (formerly Invitae), Labcorp
Classification: Uncertain significance. Last evaluated: 2026-01-04. Review status: criteria provided, single submitter. Criteria: Invitae Variant Classification Sherloc (09022015). Collection method: clinical testing. Allele origin: germline.
Comment: This sequence change replaces arginine, which is basic and polar, with glutamine, which is neutral and polar, at codon 2433 of the FBN3 protein (p.Arg2433Gln). This variant is present in population databases (rs774277592, gnomAD 0.006%). This variant has not been reported in the literature in individuals affected with FBN3-related conditions. ClinVar contains an entry for this variant (Variation ID: 3659810). Invitae Evidence Modeling of protein sequence and biophysical properties (such as structural, functional, and spatial information, amino acid conservation, physicochemical variation, residue mobility, and thermodynamic stability) indicates that this missense variant is not expected to disrupt FBN3 protein function with a negative predictive value of 80%. In summary, the available evidence is currently insufficient to determine the role of this variant in disease. Therefore, it has been classified as a Variant of Uncertain Significance.

Ambry Genetics
Classification: Uncertain significance. Last evaluated: 2025-09-01. Review status: criteria provided, single submitter. Criteria: Ambry Variant Classification Scheme 2023. Collection method: clinical testing. Allele origin: germline.